The following is an entry in ClinVar:

ClinVar aggregate classification (germline): Uncertain significance (1 of 4 stars; one submission).

Conditions:
Cardiovascular phenotype. Identifiers: MedGen CN230736.

Allele frequency attached by ClinVar (database versions not stated): gnomAD exomes 0.00001.
gnomAD v4.1: 5 of 1,614,220 alleles (0.00031%); highest among the groups gnomAD compares: Non-Finnish European, 0.00042%; no homozygotes.

Submission:

Ambry Genetics
Classification: Uncertain significance for Cardiovascular phenotype. Last evaluated: 2023-12-04. Review status: criteria provided, single submitter. Criteria: Ambry Variant Classification Scheme 2023. Collection method: clinical testing. Allele origin: germline.
Comment: The p.I357S variant (also known as c.1070T>G), located in coding exon 6 of the CYP27A1 gene, results from a T to G substitution at nucleotide position 1070. The isoleucine at codon 357 is replaced by serine, an amino acid with dissimilar properties. This amino acid position is conserved. In addition, the in silico prediction for this alteration is inconclusive. Since supporting evidence is limited at this time, the clinical significance of this alteration remains unclear.

NM_000784.4(CYP27A1):c.1070T>G (p.Ile357Ser)

Gene: CYP27A1 (cytochrome P450 family 27 subfamily A member 1; plus strand). Cytogenetic location: 2q35.
Variant type: single nucleotide variant.
Coding change: c.1070T>G on transcript NM_000784.4 (MANE Select); coding-DNA position 1070, T replaced by G.
Protein change: p.Ile357Ser; replaces isoleucine 357 with serine.
Molecular consequence: missense variant.
Genome position (GRCh38, 1-based): chr2:218,814,073, T>G. VCF-style: chr2-218814073-T-G. GRCh37 (hg19) VCF-style: chr2-219678796-T-G.
Other names: short protein forms I357S.
Identifiers: ClinVar variation 3232281 (VCV003232281.1), dbSNP rs2470229015, ClinGen allele CA350591671.